The following is an entry in ClinVar:

NM_005609.4(PYGM):c.645G>A (p.Lys215=)

Gene: PYGM (glycogen phosphorylase, muscle associated; minus strand). Cytogenetic location: 11q13.1.
Variant type: single nucleotide variant.
Coding change: c.645G>A on transcript NM_005609.4 (MANE Select); coding-DNA position 645, G replaced by A.
Protein change: p.Lys215=; no amino-acid change (lysine 215 retained).
Molecular consequence: synonymous variant.
Genome position (GRCh38, 1-based): chr11:64,757,794, C>T on the plus strand (G>A on the coding strand, the complement: PYGM is on the minus strand). VCF-style: chr11-64757794-C-T. GRCh37 (hg19) VCF-style: chr11-64525266-C-T.
Other names: c.381G>A, p.Lys127= (NM_001164716.1).
Identifiers: ClinVar variation 95299 (VCV000095299.78), dbSNP rs116315896, ClinGen allele CA148401.

ClinVar aggregate classification (germline): Conflicting classifications of pathogenicity. Review status: criteria provided, conflicting classifications (1 of 4 stars). 16 submissions from 16 submitters: Uncertain significance (6); Benign (4); Likely benign (4). 2 of the submissions do not count toward it. Last evaluated 2026-09-01.

Conditions:
Inborn genetic diseases. Identifiers: MedGen C0950123, MeSH D030342.
Glycogen storage disease, type V (GSD5). Also called: MCARDLE DISEASE; MUSCLE GLYCOGEN PHOSPHORYLASE DEFICIENCY; MYOPHOSPHORYLASE DEFICIENCY; PYGM DEFICIENCY; McArdle type glycogen storage disease. Identifiers: Orphanet 368, MedGen C0017924, MONDO:0009293, OMIM 232600.
Tip-toe gait. Also called: Toe walking. Identifiers: MedGen C0427144, HP:0030051.

Allele frequency attached by ClinVar (database versions not stated): 1000 Genomes Project 0.00339; 1000 Genomes Project 30x 0.00359; ExAC 0.00441; gnomAD exomes 0.00458 and 0.00875; gnomAD 0.00520 and 0.00530; TOPMed 0.00578; ESP Exome Variant Server 0.00631.
gnomAD v4.1: 13,532 of 1,614,182 alleles (0.84%); highest among the groups gnomAD compares: Non-Finnish European, 1%; 73 homozygotes.

Submissions (16):

CeGaT Center for Human Genetics Tuebingen
Classification: Likely benign. Last evaluated: 2026-09-01. Review status: criteria provided, single submitter. Criteria: CeGaT Center For Human Genetics Tuebingen Variant Classification Criteria Version 2. Collection method: clinical testing. Allele origin: germline. Affected: yes. Observed: 30 variant alleles.
Comment: PYGM: BP4, BS2

Labcorp Genetics (formerly Invitae), Labcorp
Classification: Benign for Glycogen storage disease, type V. Last evaluated: 2026-02-02. Review status: criteria provided, single submitter. Criteria: Invitae Variant Classification Sherloc (09022015). Collection method: clinical testing. Allele origin: germline.

Mayo Clinic Laboratories, Mayo Clinic
Classification: Uncertain significance. Last evaluated: 2025-09-30. Review status: criteria provided, single submitter. Criteria: ACMG Guidelines, 2015. Collection method: clinical testing. Allele origin: germline. Observed: 12 variant alleles.
Comment: BS1, BP4, BP7

Women's Health and Genetics/Laboratory Corporation of America, LabCorp
Classification: Likely benign. Last evaluated: 2025-09-08. Review status: criteria provided, single submitter. Criteria: LabCorp Variant Classification Summary - May 2015. Collection method: clinical testing. Allele origin: germline.
Comment: Variant summary: PYGM c.645G>A alters a non-conserved nucleotide resulting in a synonymous change. Consensus agreement among computational tools predict no significant impact on normal splicing, with 3/4 computational tools predicting the variant abolishes a cryptic exonic 5' donor site. Experimental evidence suggests that this variant may affect mRNA splicing as transcripts from peripheral blood mononuclear cells showed the inclusion of intron 6 and an altered reading frame (Garcia-Consuegra_2016). In muscle tissue, the normal transcript can be identified, although with an expression of only 5% relative to controls, suggesting a "leaky" splice effect (Garcia-Consuegra_2009). However, in both studies splicing was examined in samples from compound heterozygous patients with Glycogen Storage Disease Type V and to our knowledge, the variant effect on splicing has yet to be investigated in isolation in a controlled experimental system. The variant allele was found at a frequency of 0.0084 in 1614182 control chromosomes, including 73 homozygotes, in the gnomAD database, predominantly at a frequency of 0.01 within the Non-Finnish European subpopulation. The observed variant frequency within Non-Finnish European control individuals is approximately 3-fold of the estimated maximal expected allele frequency for a pathogenic variant in PYGM causing Glycogen Storage Disease, Type V (0.0035), strongly suggesting that the variant is a benign polymorphism found primarily in populations of Non-Finnish European origin. Nevertheless, c.645G>A has been reported in the literature in compound heterozygous individuals affected with Glycogen Storage Disease, Type V (Garcia-Consuegra_2009, Lucia_2012). The following publications have been ascertained in the context of this evaluation (PMID: 22250184, 34426522, 26913921, 19251976). ClinVar contains an entry for this variant (Variation ID: 95299). Based on the evidence outlined above, the variant was classified as likely benign.

Blueprint Genetics
Classification: Likely benign. Last evaluated: 2024-11-26. Review status: criteria provided, single submitter. Criteria: ACMG Guidelines, 2015. Collection method: clinical testing. Allele origin: germline.

Illumina Laboratory Services, Illumina
Classification: Uncertain significance for Glycogen storage disease, type V. Last evaluated: 2024-02-02. Review status: criteria provided, single submitter. Criteria: ISL SNV Classification Criteria 03 February 2026. Collection method: clinical testing. Allele origin: unknown.
Comment: The PYGM c.645G>A p.(Lys215) synonymous variant has been reported in at least three unrelated Spanish individuals with glycogen storage disease type V (GSDV) (PMID: 26913921; 22250184; 26913921). It has been observed in trans with the common pathogenic variants p.(Arg50Ter) and p.(Trp798Arg) as well as part of a complex allele with p.(Thr488Asn). The p.(Lys215) variant is reported at a frequency of 0.01049 in the European (non-Finnish) population of the Genome Aggregation Database (version 4.0.0), with 73 homozygotes in the Total population. This frequency is high, but considerable clinical heterogeneity is observed in GSDV, and some individuals with mild symptoms may not seek a diagnosis (PMID: 25741863). cDNA from peripheral blood mononuclear cells obtained from compound heterozygous patients showed retention of intron 6 in the transcript, with insertion of 91 bp and disruption of the reading frame (PMID: 26913921). The synonymous variant also was not present in patient muscle cDNA, presumably due to NMD of the mutant transcript. However, studies performed in patient cells cannot exclude the contribution of an unidentified variant to the observed effects. Based on the available evidence, the c.645G>A p.(Lys215) variant is classified as a variant of uncertain significance for glycogen storage disease type V.

Kariminejad - Najmabadi Pathology & Genetics Center
Classification: Uncertain significance for Glycogen storage disease, type V. Last evaluated: 2023-12-20. Review status: criteria provided, single submitter. Criteria: ACMG Guidelines, 2015. Collection method: clinical testing. Allele origin: germline. Inheritance: Autosomal recessive inheritance. Affected: yes.
Comment: BS1_Moderate,PS3_Supporting,PM3_Supporting

Baylor Genetics
Classification: Uncertain significance for Glycogen storage disease, type V. Last evaluated: 2023-09-05. Review status: criteria provided, single submitter. Criteria: ACMG Guidelines, 2015. Collection method: clinical testing. Allele origin: unknown.

Ambry Genetics
Classification: Likely benign for Inborn genetic diseases. Last evaluated: 2023-05-23. Review status: criteria provided, single submitter. Criteria: Ambry Variant Classification Scheme 2023. Collection method: clinical testing. Allele origin: germline.

Department of Pathology and Laboratory Medicine, Sinai Health System
Classification: Uncertain significance for Glycogen storage disease, type V. Last evaluated: 2023-02-22. Review status: criteria provided, single submitter. Criteria: ACMG Guidelines, 2015. Collection method: research. Allele origin: germline.

Practice for Gait Abnormalities, David Pomarino, Competency Network Toe Walking C/o Practice Pomarino
Classification: Benign for Tip-toe gait. Last evaluated: 2021-09-07. Review status: criteria provided, single submitter. Criteria: Pomarino et al. (J Musculoskelet Neuronal Interact. 2026). Collection method: clinical testing. Allele origin: germline. Affected: yes.

Genome-Nilou Lab
Classification: Uncertain significance for Glycogen storage disease, type V. Last evaluated: 2021-05-18. Review status: criteria provided, single submitter. Criteria: ACMG Guidelines, 2015. Collection method: clinical testing. Allele origin: germline. Affected: no.

GeneDx
Classification: Benign. Last evaluated: 2016-10-06. Review status: criteria provided, single submitter. Criteria: GeneDx Variant Classification (06012015). Collection method: clinical testing. Allele origin: germline. Affected: yes.
Comment: This variant is considered likely benign or benign based on one or more of the following criteria: it is a conservative change, it occurs at a poorly conserved position in the protein, it is predicted to be benign by multiple in silico algorithms, and/or has population frequency not consistent with disease.

Eurofins Ntd Llc (ga)
Classification: Benign. Last evaluated: 2012-12-18. Review status: criteria provided, single submitter. Criteria: EGL Classification Definitions 2015. Collection method: clinical testing. Allele origin: germline. Observed: 5 variant alleles, 5 heterozygotes.

Natera, Inc.
Classification: Uncertain significance for Glycogen storage disease V. Last evaluated: 2020-04-14. Review status: no assertion criteria provided. Collection method: clinical testing. Allele origin: germline. Not counted in ClinVar's aggregate classification.

GeneReviews
No classification provided. Condition: Glycogen storage disease, type V. Review status: no classification provided. Collection method: literature only. Allele origin: germline. Affected: yes. Not counted in ClinVar's aggregate classification.

Literature cited by the submitters: PubMed 19251976 (cited by Mayo Clinic Laboratories, Mayo Clinic and Women's Health and Genetics/Laboratory Corporation of America, LabCorp); PubMed 22250184 (cited by 3 submitters); PubMed 25053163 (cited by Mayo Clinic Laboratories, Mayo Clinic); PubMed 26913921 (cited by 3 submitters); PubMed 29143597 (cited by Mayo Clinic Laboratories, Mayo Clinic); PubMed 30011114 (cited by Mayo Clinic Laboratories, Mayo Clinic); PubMed 34426522 (cited by Mayo Clinic Laboratories, Mayo Clinic and Women's Health and Genetics/Laboratory Corporation of America, LabCorp); PubMed 36370371 (cited by Mayo Clinic Laboratories, Mayo Clinic); PubMed 25741863 (cited by Illumina Laboratory Services, Illumina); NCBI Bookshelf NBK1344 (cited by GeneReviews).